The following is an entry in ClinVar:

ClinVar aggregate classification (germline): Uncertain significance (1 of 4 stars; one submission).

Allele frequency attached by ClinVar (database versions not stated): gnomAD exomes below 0.00001.
gnomAD v4.1: 1 of 1,613,170 alleles (0.000062%); highest among the groups gnomAD compares: African/African-American, 0.0013%; no homozygotes.

Submission:

GeneDx
Classification: Uncertain significance. Last evaluated: 2020-01-17. Review status: criteria provided, single submitter. Criteria: GeneDx Variant Classification Process June 2021. Collection method: clinical testing. Allele origin: germline. Affected: yes.
Comment: Not observed in large population cohorts (Lek et al., 2016); Missense variant in a gene in which most reported pathogenic variants are truncating/loss-of-function; Has not been previously published as pathogenic or benign to our knowledge

NM_001267550.2(TTN):c.64366G>A (p.Glu21456Lys)

Genes: TTN (titin; minus strand), TTN-AS1 (TTN antisense RNA 1; plus strand). Cytogenetic location: 2q31.2.
Variant type: single nucleotide variant.
Coding change: c.64366G>A on transcript NM_001267550.2 (MANE Select); coding-DNA position 64366, G replaced by A.
Protein change: p.Glu21456Lys; replaces glutamic acid 21456 with lysine.
Molecular consequence: missense variant.
Genome position (GRCh38, 1-based): chr2:178,586,535, C>T on the plus strand (G>A on the coding strand, the complement: TTN is on the minus strand). VCF-style: chr2-178586535-C-T. GRCh37 (hg19) VCF-style: chr2-179451262-C-T.
Other names: c.59443G>A, p.Glu19815Lys (NM_001256850.1); c.37171G>A, p.Glu12391Lys (NM_003319.4); c.56662G>A, p.Glu18888Lys (NM_133378.4); c.37546G>A, p.Glu12516Lys (NM_133432.3); c.37747G>A, p.Glu12583Lys (NM_133437.4); short protein forms E12391K, E12516K, E12583K, E18888K, E19815K, E21456K.
Identifiers: ClinVar variation 1310446 (VCV001310446.2), dbSNP rs1432709459, ClinGen allele CA349441139.